The following is an entry in ClinVar:

ClinVar aggregate classification (germline): Benign. Review status: criteria provided, multiple submitters, no conflicts (2 of 4 stars). 2 submissions from 2 submitters: Benign (2). Last evaluated 2016-03-29.

Allele frequency attached by ClinVar (database versions not stated): gnomAD exomes 0.84113 and 0.85091; ExAC 0.85123; 1000 Genomes Project 0.87001; gnomAD 0.87293 and 0.87400; ESP Exome Variant Server 0.87704; 1000 Genomes Project 30x 0.88070; TOPMed 0.88582.
gnomAD v4.1: 1,361,936 of 1,613,390 alleles (84%); highest among the groups gnomAD compares: African/African-American, 97%; 576,227 homozygotes.

Submissions (2):

Laboratory for Molecular Medicine, Mass General Brigham Personalized Medicine
Classification: Benign. Last evaluated: 2016-03-29. Review status: criteria provided, single submitter. Criteria: LMM Criteria. Collection method: clinical testing. Allele origin: germline.
Comment: Variant identified in a genome or exome case(s) and assessed due to predicted null impact of the variant or pathogenic assertions in the literature or databases. Disclaimer: This variant has not undergone full assessment. The following are preliminary notes: Frequency

Breakthrough Genomics
Classification: Benign. Review status: criteria provided, single submitter. Criteria: ACMG Guidelines, 2015. Collection method: not provided. Allele origin: germline. Inheritance: Unknown mechanism. Affected: yes.

NM_017886.4(ULK4):c.1918T>G (p.Ser640Ala)

Gene: ULK4 (unc-51 like kinase 4; minus strand). Cytogenetic location: 3p22.1.
Variant type: single nucleotide variant.
Coding change: c.1918T>G on transcript NM_017886.4 (MANE Select); coding-DNA position 1918, T replaced by G.
Protein change: p.Ser640Ala; replaces serine 640 with alanine.
Molecular consequence: missense variant. On other transcripts: non-coding transcript variant (1).
Genome position (GRCh38, 1-based): chr3:41,800,224, A>C on the plus strand (T>G on the coding strand, the complement: ULK4 is on the minus strand). VCF-style: chr3-41800224-A-C. GRCh37 (hg19) VCF-style: chr3-41841716-A-C.
Other names: c.1918T>G, p.Ser640Ala (NM_001322500.2); c.1012T>G, p.Ser338Ala (NM_001322501.2); short protein forms S640A, S338A.
Identifiers: ClinVar variation 403583 (VCV000403583.5), dbSNP rs4973986, ClinGen allele CA2332055.